The following is an entry in ClinVar:

NM_001035.3(RYR2):c.5614G>C (p.Asp1872His)

Gene: RYR2 (ryanodine receptor 2; plus strand). Cytogenetic location: 1q43.
Variant type: single nucleotide variant.
Coding change: c.5614G>C on transcript NM_001035.3 (MANE Select); coding-DNA position 5614, G replaced by C.
Protein change: p.Asp1872His; replaces aspartic acid 1872 with histidine.
Molecular consequence: missense variant.
Genome position (GRCh38, 1-based): chr1:237,614,742, G>C. VCF-style: chr1-237614742-G-C. GRCh37 (hg19) VCF-style: chr1-237778042-G-C.
Other names: short protein forms D1872H.
Identifiers: ClinVar variation 3072166 (VCV003072166.1), dbSNP rs761770946, ClinGen allele CA345405469.

ClinVar aggregate classification (germline): Uncertain significance (1 of 4 stars; one submission).

Conditions:
Catecholaminergic polymorphic ventricular tachycardia (CVPT). Also called: Catecholamine-induced polymorphic ventricular tachycardia. Identifiers: Orphanet 3286, MedGen C5574922, MONDO:0017990.

Submission:

All of Us Research Program, National Institutes of Health
Classification: Uncertain significance for Catecholaminergic polymorphic ventricular tachycardia. Last evaluated: 2023-06-26. Review status: criteria provided, single submitter. Criteria: ACMG Guidelines, 2015. Collection method: clinical testing. Allele origin: germline. Inheritance: Autosomal dominant inheritance. Observed: 1 variant allele, 1 heterozygote.
Comment: This missense variant replaces aspartic acid with histidine at codon 1872 of the RYR2 protein. Computational prediction suggests that this variant may not impact protein structure and function (internally defined REVEL score threshold <= 0.5, PMID: 27666373). To our knowledge, functional studies have not been reported for this variant. This variant has not been reported in individuals affected with RYR2-related disorders in the literature. This variant has not been identified in the general population by the Genome Aggregation Database (gnomAD). The available evidence is insufficient to determine the role of this variant in disease conclusively. Therefore, this variant is classified as a Variant of Uncertain Significance.

This study involves interpretation of variants in research participants for the purpose of population health screening. Participant phenotype was not available at the time of variant classification. Additional details can be found in publication PMID: 35346344, PMCID: PMC8962531